The following is an entry in ClinVar:

ClinVar aggregate classification (germline): Uncertain significance (1 of 4 stars; one submission).

Conditions:
Gamma-aminobutyric acid transaminase deficiency (GABATD). Also called: GABA aminotransaminase deficiency; GABA transaminase deficiency; Gamma aminobutyrate transaminase deficiency; 4 alpha aminobutyrate transaminase deficiency. Identifiers: Orphanet 2066, MedGen C0342708, MONDO:0013166, OMIM 613163.

Allele frequency attached by ClinVar (database versions not stated): TOPMed below 0.00001.
gnomAD v4.1: 1 of 1,614,128 alleles (0.000062%); highest among the groups gnomAD compares: East Asian, 0.0022%; no homozygotes.

Submission:

Labcorp Genetics (formerly Invitae), Labcorp
Classification: Uncertain significance for Gamma-aminobutyric acid transaminase deficiency. Last evaluated: 2022-11-22. Review status: criteria provided, single submitter. Criteria: Invitae Variant Classification Sherloc (09022015). Collection method: clinical testing. Allele origin: germline.
Comment: In summary, the available evidence is currently insufficient to determine the role of this variant in disease. Therefore, it has been classified as a Variant of Uncertain Significance. Advanced modeling of protein sequence and biophysical properties (such as structural, functional, and spatial information, amino acid conservation, physicochemical variation, residue mobility, and thermodynamic stability) performed at Invitae indicates that this missense variant is not expected to disrupt ABAT protein function. This variant has not been reported in the literature in individuals affected with ABAT-related conditions. This variant is not present in population databases (gnomAD no frequency). This sequence change replaces isoleucine, which is neutral and non-polar, with valine, which is neutral and non-polar, at codon 291 of the ABAT protein (p.Ile291Val).

NM_020686.6(ABAT):c.871A>G (p.Ile291Val)

Gene: ABAT (4-aminobutyrate aminotransferase; plus strand). Cytogenetic location: 16p13.2.
Variant type: single nucleotide variant.
Coding change: c.871A>G on transcript NM_020686.6 (MANE Select); coding-DNA position 871, A replaced by G.
Protein change: p.Ile291Val; replaces isoleucine 291 with valine.
Molecular consequence: missense variant.
Genome position (GRCh38, 1-based): chr16:8,772,834, A>G. VCF-style: chr16-8772834-A-G. GRCh37 (hg19) VCF-style: chr16-8866691-A-G.
Other names: c.871A>G, p.Ile291Val (NM_000663.5, NM_001127448.2, NM_001386600.1 and 6 more transcripts); c.832A>G, p.Ile278Val (NM_001386605.1); c.808A>G, p.Ile270Val (NM_001386606.1, NM_001386607.1); c.778A>G, p.Ile260Val (NM_001386608.1); c.736A>G, p.Ile246Val (NM_001386610.1, NM_001386611.1); c.673A>G, p.Ile225Val (NM_001386612.1, NM_001386613.1); c.625A>G, p.Ile209Val (NM_001386614.1); c.967A>G, p.Ile323Val (NM_001386615.1); short protein forms I270V, I209V, I225V, I246V, I278V, I291V, I323V, I260V.
Identifiers: ClinVar variation 1959974 (VCV001959974.5), dbSNP rs1567315356, ClinGen allele CA394689304.
Genomic context (GRCh38, chr16:8,772,834, plus strand): 5'-ATCCAGGTGGAGGATCTGATTGTGAAATATCGGAAAAAGAAGAAGACGGTGGCCGGGATC[A>G]TCGTGGAGCCCATCCAGTCCGAGGGTGGAGACAACCACGCATCCGATGACTTCTTTCGGA-3'
Protein context (NP_065737.2, residues 281-301): RKKKKTVAGI[Ile291Val]VEPIQSEGGD